The following is an entry in ClinVar:

NM_000388.4(CASR):c.158C>G (p.Ser53Ter)

Gene: CASR (calcium sensing receptor; plus strand). Cytogenetic location: 3q21.1.
Variant type: single nucleotide variant.
Coding change: c.158C>G on transcript NM_000388.4 (MANE Select); coding-DNA position 158, C replaced by G.
Protein change: p.Ser53Ter; replaces serine 53 with a stop codon.
Molecular consequence: nonsense.
Genome position (GRCh38, 1-based): chr3:122,254,347, C>G. VCF-style: chr3-122254347-C-G. GRCh37 (hg19) VCF-style: chr3-121973194-C-G.
Other names: c.158C>G, p.Ser53Ter (NM_001178065.2); short protein forms S53*.
Identifiers: ClinVar variation 3068867 (VCV003068867.2), dbSNP rs2473205737, ClinGen allele CA354362257.

ClinVar aggregate classification (germline): Pathogenic (1 of 4 stars; one submission).

Conditions:
Familial hypocalciuric hypercalcemia (FHH). Also called: Familial benign hypercalcemia. Identifiers: Orphanet 405, MedGen C1809471, MONDO:0018458.

Submission:

Women's Health and Genetics/Laboratory Corporation of America, LabCorp
Classification: Pathogenic for Familial hypocalciuric hypercalcemia. Last evaluated: 2024-02-14. Review status: criteria provided, single submitter. Criteria: LabCorp Variant Classification Summary - May 2015. Collection method: clinical testing. Allele origin: germline.
Comment: Variant summary: CASR c.158C>G (p.Ser53X) results in a premature termination codon, predicted to cause a truncation of the encoded protein or absence of the protein due to nonsense mediated decay, which are commonly known mechanisms for disease. The variant was absent in 251138 control chromosomes (gnomAD). To our knowledge, no occurrence of c.158C>G in individuals affected with Familial Hypocalciuric Hypercalcemia and no experimental evidence demonstrating its impact on protein function have been reported. No submitters have cited clinical-significance assessments for this variant to ClinVar. Based on the evidence outlined above, the variant was classified as pathogenic.